The following is an entry in ClinVar:

ClinVar aggregate classification (germline): Uncertain significance (1 of 4 stars; one submission).

gnomAD v4.1: 1 of 1,605,060 alleles (0.000062%); highest among the groups gnomAD compares: Admixed American, 0.0017%; no homozygotes.

Submission:

Labcorp Genetics (formerly Invitae), Labcorp
Classification: Uncertain significance. Last evaluated: 2024-07-29. Review status: criteria provided, single submitter. Criteria: Invitae Variant Classification Sherloc (09022015). Collection method: clinical testing. Allele origin: germline.
Comment: This sequence change replaces isoleucine, which is neutral and non-polar, with methionine, which is neutral and non-polar, at codon 433 of the ATF6 protein (p.Ile433Met). This variant is present in population databases (no rsID available, gnomAD 0.003%). This variant has not been reported in the literature in individuals affected with ATF6-related conditions. ClinVar contains an entry for this variant (Variation ID: 1414593). Advanced modeling of protein sequence and biophysical properties (such as structural, functional, and spatial information, amino acid conservation, physicochemical variation, residue mobility, and thermodynamic stability) performed at Invitae indicates that this missense variant is not expected to disrupt ATF6 protein function with a negative predictive value of 80%. In summary, the available evidence is currently insufficient to determine the role of this variant in disease. Therefore, it has been classified as a Variant of Uncertain Significance.

NM_007348.4(ATF6):c.1299T>G (p.Ile433Met)

Gene: ATF6 (activating transcription factor 6; plus strand). Cytogenetic location: 1q23.3.
Variant type: single nucleotide variant.
Coding change: c.1299T>G on transcript NM_007348.4 (MANE Select); coding-DNA position 1299, T replaced by G.
Protein change: p.Ile433Met; replaces isoleucine 433 with methionine.
Molecular consequence: missense variant.
Genome position (GRCh38, 1-based): chr1:161,846,560, T>G. VCF-style: chr1-161846560-T-G. GRCh37 (hg19) VCF-style: chr1-161816350-T-G.
Other names: short protein forms I433M.
Identifiers: ClinVar variation 1414593 (VCV001414593.6), dbSNP rs1314146658, ClinGen allele CA343378915.